The following is an entry in ClinVar:

ClinVar aggregate classification (germline): Uncertain significance (1 of 4 stars; one submission).

Allele frequency attached by ClinVar (database versions not stated): gnomAD exomes below 0.00001.
gnomAD v4.1: 1 of 1,609,846 alleles (0.000062%); highest among the groups gnomAD compares: Non-Finnish European, 0.000085%; no homozygotes.

Submission:

Labcorp Genetics (formerly Invitae), Labcorp
Classification: Uncertain significance. Last evaluated: 2022-10-17. Review status: criteria provided, single submitter. Criteria: Invitae Variant Classification Sherloc (09022015). Collection method: clinical testing. Allele origin: germline.
Comment: This sequence change replaces serine, which is neutral and polar, with arginine, which is basic and polar, at codon 1587 of the RTTN protein (p.Ser1587Arg). This variant is not present in population databases (gnomAD no frequency). This variant has not been reported in the literature in individuals affected with RTTN-related conditions. ClinVar contains an entry for this variant (Variation ID: 1360468). Advanced modeling of protein sequence and biophysical properties (such as structural, functional, and spatial information, amino acid conservation, physicochemical variation, residue mobility, and thermodynamic stability) performed at Invitae indicates that this missense variant is not expected to disrupt RTTN protein function. In summary, the available evidence is currently insufficient to determine the role of this variant in disease. Therefore, it has been classified as a Variant of Uncertain Significance.

NM_173630.4(RTTN):c.4759A>C (p.Ser1587Arg)

Gene: RTTN (rotatin; minus strand). Cytogenetic location: 18q22.2.
Variant type: single nucleotide variant.
Coding change: c.4759A>C on transcript NM_173630.4 (MANE Select); coding-DNA position 4759, A replaced by C.
Protein change: p.Ser1587Arg; replaces serine 1587 with arginine.
Molecular consequence: missense variant.
Genome position (GRCh38, 1-based): chr18:70,060,031, T>G on the plus strand (A>C on the coding strand, the complement: RTTN is on the minus strand). VCF-style: chr18-70060031-T-G. GRCh37 (hg19) VCF-style: chr18-67727267-T-G.
Other names: c.2023A>C, p.Ser675Arg (NM_001318520.2); short protein forms S675R, S1587R.
Identifiers: ClinVar variation 1360468 (VCV001360468.6), dbSNP rs2144895777, ClinGen allele CA402695129.